The following is an entry in ClinVar:

NM_001164508.2(NEB):c.5024A>G (p.Gln1675Arg)

Gene: NEB (nebulin; minus strand). Cytogenetic location: 2q23.3.
Variant type: single nucleotide variant.
Coding change: c.5024A>G on transcript NM_001164508.2 (MANE Select); coding-DNA position 5024, A replaced by G.
Protein change: p.Gln1675Arg; replaces glutamine 1675 with arginine.
Molecular consequence: missense variant.
Genome position (GRCh38, 1-based): chr2:151,666,097, T>C on the plus strand (A>G on the coding strand, the complement: NEB is on the minus strand). VCF-style: chr2-151666097-T-C. GRCh37 (hg19) VCF-style: chr2-152522611-T-C.
Other names: c.5024A>G, p.Gln1675Arg (NM_001164507.2, NM_001271208.2, NM_004543.5); short protein forms Q1675R.
Identifiers: ClinVar variation 949198 (VCV000949198.7), dbSNP rs2099214265, ClinGen allele CA348812926.

ClinVar aggregate classification (germline): Uncertain significance. Review status: criteria provided, single submitter (1 of 4 stars). 2 submissions from 2 submitters: Uncertain significance (1). 1 of the submissions does not count toward it. Last evaluated 2021-08-31.

Conditions:
Nemaline myopathy 2 (NEM2). Also called: Nemaline myopathy 2, autosomal recessive. Identifiers: MedGen C1850569, MONDO:0009725, OMIM 256030.

Submissions (2):

Labcorp Genetics (formerly Invitae), Labcorp
Classification: Uncertain significance for Nemaline myopathy 2. Last evaluated: 2021-08-31. Review status: criteria provided, single submitter. Criteria: Invitae Variant Classification Sherloc (09022015). Collection method: clinical testing. Allele origin: germline.
Comment: This sequence change replaces glutamine with arginine at codon 1675 of the NEB protein (p.Gln1675Arg). The glutamine residue is moderately conserved and there is a small physicochemical difference between glutamine and arginine. This variant is not present in population databases (ExAC no frequency). This variant has not been reported in the literature in individuals affected with NEB-related conditions. Algorithms developed to predict the effect of missense changes on protein structure and function are either unavailable or do not agree on the potential impact of this missense change (SIFT: "Deleterious"; PolyPhen-2: "Not Available"; Align-GVGD: "Class C0"). In summary, the available evidence is currently insufficient to determine the role of this variant in disease. Therefore, it has been classified as a Variant of Uncertain Significance.

Natera, Inc.
Classification: Uncertain significance for Nemaline myopathy type 2. Last evaluated: 2025-05-22. Review status: no assertion criteria provided. Collection method: clinical testing. Allele origin: germline. Not counted in ClinVar's aggregate classification.